The following is an entry in ClinVar:

NM_182961.4(SYNE1):c.17175C>T (p.Thr5725=)

Genes: SYNE1 (spectrin repeat containing nuclear envelope protein 1; minus strand), LOC126859837 (BRD4-independent group 4 enhancer GRCh37_chr6:152630775-152631974; plus strand). Cytogenetic location: 6q25.2.
Variant type: single nucleotide variant.
Coding change: c.17175C>T on transcript NM_182961.4 (MANE Select); coding-DNA position 17175, C replaced by T.
Protein change: p.Thr5725=; no amino-acid change (threonine 5725 retained).
Molecular consequence: synonymous variant.
Genome position (GRCh38, 1-based): chr6:152,309,862, G>A on the plus strand (C>T on the coding strand, the complement: SYNE1 is on the minus strand). VCF-style: chr6-152309862-G-A. GRCh37 (hg19) VCF-style: chr6-152630997-G-A.
Other names: c.16962C>T, p.Thr5654= (NM_033071.5).
Identifiers: ClinVar variation 388578 (VCV000388578.16), dbSNP rs200002217, ClinGen allele CA4055326.

ClinVar aggregate classification (germline): Conflicting classifications of pathogenicity. Review status: criteria provided, conflicting classifications (1 of 4 stars). 3 submissions from 3 submitters: Uncertain significance (1); Likely benign (2). Last evaluated 2025-10-23.

Conditions:
Emery-Dreifuss muscular dystrophy 4, autosomal dominant (EDMD4). Also called: EMERY-DREIFUSS MUSCULAR DYSTROPHY 4 WITH VARIABLE FEATURES. Identifiers: Orphanet 261, MedGen C2751807, MONDO:0013071, OMIM 612998.
Autosomal recessive ataxia, Beauce type. Also called: ATAXIA, RECESSIVE, OF BEAUCE; SYNE1-Related Autosomal Recessive Cerebellar Ataxia; Spinocerebellar ataxia, autosomal recessive 8; SYNE1 Deficiency. Identifiers: Orphanet 88644, MedGen C1853116, MONDO:0012549, OMIM 610743.

Allele frequency attached by ClinVar (database versions not stated): gnomAD 0.00010 and 0.00011; TOPMed 0.00014; gnomAD exomes 0.00019; 1000 Genomes Project 0.00020; ExAC 0.00020; 1000 Genomes Project 30x 0.00031.
gnomAD v4.1: 169 of 1,613,982 alleles (0.01%); highest among the groups gnomAD compares: East Asian, 0.15%; 2 homozygotes.

Submissions (3):

Labcorp Genetics (formerly Invitae), Labcorp
Classification: Likely benign for Emery-Dreifuss muscular dystrophy 4, autosomal dominant; Autosomal recessive ataxia, Beauce type. Last evaluated: 2025-10-23. Review status: criteria provided, single submitter. Criteria: Invitae Variant Classification Sherloc (09022015). Collection method: clinical testing. Allele origin: germline.

Eurofins Ntd Llc (ga)
Classification: Uncertain significance. Last evaluated: 2017-08-10. Review status: criteria provided, single submitter. Criteria: EGL Classification Definitions 2015. Collection method: clinical testing. Allele origin: germline. Observed: 2 variant alleles, 2 heterozygotes.

GeneDx
Classification: Likely benign. Last evaluated: 2016-08-24. Review status: criteria provided, single submitter. Criteria: GeneDx Variant Classification (06012015). Collection method: clinical testing. Allele origin: germline. Affected: yes.
Comment: This variant is considered likely benign or benign based on one or more of the following criteria: it is a conservative change, it occurs at a poorly conserved position in the protein, it is predicted to be benign by multiple in silico algorithms, and/or has population frequency not consistent with disease.